The following is an entry in ClinVar:

NM_015178.3(RHOBTB2):c.469C>A (p.Arg157=)

Gene: RHOBTB2 (Rho related BTB domain containing 2; plus strand). Cytogenetic location: 8p21.3.
Variant type: single nucleotide variant.
Coding change: c.469C>A on transcript NM_015178.3 (MANE Select); coding-DNA position 469, C replaced by A.
Protein change: p.Arg157=; no amino-acid change (arginine 157 retained).
Molecular consequence: synonymous variant.
Genome position (GRCh38, 1-based): chr8:23,006,132, C>A. VCF-style: chr8-23006132-C-A. GRCh37 (hg19) VCF-style: chr8-22863645-C-A.
Other names: c.535C>A, p.Arg179= (NM_001160036.2); c.490C>A, p.Arg164= (NM_001160037.2); c.469C>A, p.Arg157= (NM_001374791.1).
Identifiers: ClinVar variation 4872805 (VCV004872805.2).

ClinVar aggregate classification (germline): Likely benign (1 of 4 stars; one submission).

Submission:

CeGaT Center for Human Genetics Tuebingen
Classification: Likely benign. Last evaluated: 2026-05-01. Review status: criteria provided, single submitter. Criteria: CeGaT Center For Human Genetics Tuebingen Variant Classification Criteria Version 2. Collection method: clinical testing. Allele origin: germline. Affected: yes. Observed: 1 variant allele.
Comment: RHOBTB2: PM2:Supporting, BP4, BP7